The following is an entry in ClinVar:

ClinVar aggregate classification (germline): Benign/Likely benign. Review status: criteria provided, multiple submitters, no conflicts (2 of 4 stars). 3 submissions from 3 submitters: Benign (1); Likely benign (1). 1 of the submissions does not count toward it. Last evaluated 2026-01-07.

Conditions:
IL10RB-related disorder. Also called: IL10RB-related condition.
Inflammatory bowel disease 25. Also called: Inflammatory bowel disease 25, early onset, autosomal recessive. Identifiers: Orphanet 238569, MedGen C2675508, MONDO:0012941, OMIM 612567.

Allele frequency attached by ClinVar (database versions not stated): gnomAD exomes 0.00010 and 0.00017; gnomAD 0.00014 and 0.00018; ExAC 0.00020; TOPMed 0.00031; 1000 Genomes Project 0.00080; 1000 Genomes Project 30x 0.00094.
gnomAD v4.1: 189 of 1,613,592 alleles (0.012%); highest among the groups gnomAD compares: Middle Eastern, 0.083%; 2 homozygotes.

Submissions (3):

Labcorp Genetics (formerly Invitae), Labcorp
Classification: Benign for Inflammatory bowel disease 25. Last evaluated: 2026-01-07. Review status: criteria provided, single submitter. Criteria: Invitae Variant Classification Sherloc (09022015). Collection method: clinical testing. Allele origin: germline.

Blueprint Genetics
Classification: Likely benign. Last evaluated: 2024-01-29. Review status: criteria provided, single submitter. Criteria: ACMG Guidelines, 2015. Collection method: clinical testing. Allele origin: germline.

PreventionGenetics, part of Exact Sciences
Classification: Likely benign for IL10RB-related condition. Last evaluated: 2019-05-23. Review status: no assertion criteria provided. Collection method: clinical testing. Allele origin: germline. Not counted in ClinVar's aggregate classification.
Comment: This variant is classified as likely benign based on ACMG/AMP sequence variant interpretation guidelines (Richards et al. 2015 PMID: 25741868, with internal and published modifications).

NM_000628.5(IL10RB):c.483C>T (p.Asn161=)

Genes: IFNAR2-IL10RB (IFNAR2-IL10RB readthrough; plus strand), IL10RB (interleukin 10 receptor subunit beta; plus strand). Cytogenetic location: 21q22.11.
Variant type: single nucleotide variant.
Coding change: c.483C>T on transcript NM_000628.5 (MANE Select); coding-DNA position 483, C replaced by T.
Protein change: p.Asn161=; no amino-acid change (asparagine 161 retained).
Molecular consequence: synonymous variant.
Genome position (GRCh38, 1-based): chr21:33,279,903, C>T. VCF-style: chr21-33279903-C-T. GRCh37 (hg19) VCF-style: chr21-34652208-C-T.
Identifiers: ClinVar variation 719016 (VCV000719016.13), dbSNP rs61735776, ClinGen allele CA10006145.